The following is an entry in ClinVar:

NM_017617.5(NOTCH1):c.748A>T (p.Thr250Ser)

Gene: NOTCH1 (notch receptor 1; minus strand). Cytogenetic location: 9q34.3.
Variant type: single nucleotide variant.
Coding change: c.748A>T on transcript NM_017617.5 (MANE Select); coding-DNA position 748, A replaced by T.
Protein change: p.Thr250Ser; replaces threonine 250 with serine.
Molecular consequence: missense variant.
Genome position (GRCh38, 1-based): chr9:136,519,560, T>A on the plus strand (A>T on the coding strand, the complement: NOTCH1 is on the minus strand). VCF-style: chr9-136519560-T-A. GRCh37 (hg19) VCF-style: chr9-139414012-T-A.
Other names: short protein forms T250S.
Identifiers: ClinVar variation 1004914 (VCV001004914.8), dbSNP rs551150550, ClinGen allele CA375566891.

ClinVar aggregate classification (germline): Uncertain significance (1 of 4 stars; one submission).

Conditions:
Adams-Oliver syndrome 5 (AOS5). Identifiers: Orphanet 974, MedGen C4014970, MONDO:0014459, OMIM 616028.

Submission:

Labcorp Genetics (formerly Invitae), Labcorp
Classification: Uncertain significance for Adams-Oliver syndrome 5. Last evaluated: 2022-08-31. Review status: criteria provided, single submitter. Criteria: Invitae Variant Classification Sherloc (09022015). Collection method: clinical testing. Allele origin: germline.
Comment: In summary, the available evidence is currently insufficient to determine the role of this variant in disease. Therefore, it has been classified as a Variant of Uncertain Significance. Advanced modeling of protein sequence and biophysical properties (such as structural, functional, and spatial information, amino acid conservation, physicochemical variation, residue mobility, and thermodynamic stability) performed at Invitae indicates that this missense variant is not expected to disrupt NOTCH1 protein function. ClinVar contains an entry for this variant (Variation ID: 1004914). This variant has not been reported in the literature in individuals affected with NOTCH1-related conditions. This variant is not present in population databases (gnomAD no frequency). This sequence change replaces threonine, which is neutral and polar, with serine, which is neutral and polar, at codon 250 of the NOTCH1 protein (p.Thr250Ser).